The following is an entry in ClinVar:

NM_000077.5(CDKN2A):c.183GCT[5] (p.Leu65_His66insLeu)

Gene: CDKN2A (cyclin dependent kinase inhibitor 2A; minus strand). Cytogenetic location: 9p21.3.
Variant type: Microsatellite.
Coding change: c.183GCT[5] on transcript NM_000077.5 (MANE Select); five copies in a row of the 3-base unit GCT starting at c.183; the reference has four copies in a row; one copy, 3 bases duplicated.
Protein change: p.Leu65_His66insLeu.
Molecular consequence: inframe insertion. On other transcripts: inframe indel (2), 3 prime UTR variant (1).
Genome position (GRCh38, 1-based): chr9:21,971,165-21,971,167, AGC duplicated on the plus strand (GCT on the coding strand, the reverse complement: CDKN2A is on the minus strand); duplicating any 3 consecutive bases within chr9:21,971,165-21,971,176 gives the same sequence; the position shown is the placement nearest the transcript's 3' end. VCF-style (leftmost placement, unchanged base first): chr9-21971164-G-GAGC. GRCh37 (hg19) VCF-style: chr9-21971163-G-GAGC.
Other names: c.192_194dupGCT (NM_000077.4, NM_000077.5); c.183_185GCT[5], p.Leu65_His66insLeu (NM_000077.6); c.183GCT[5], p.Leu65_His66insLeu (NM_001195132.2); c.30GCT[5], p.Leu14_His15insLeu (NM_001363763.2); c.226GCT[5], p.Ala79_Pro80insAla (NM_058195.4); c.*106GCT[5] (NM_058197.5).
Identifiers: ClinVar variation 1405937 (VCV001405937.13), dbSNP rs2131096063, ClinGen allele CA2580616161.
Genomic context (GRCh38, chr9:21,971,164, plus strand): 5'-AGCGTCGTGCACGGGTCGGGTGAGAGTGGCGGGGTCGGCGCAGTTGGGCTCCGCGCCGTG[G>GAGC]AGCAGCAGCAGCTCCGCCACTCGGGCGCTGCCCATCATCATGACCTGCCAGAGAGAACAG-3'

ClinVar aggregate classification (germline): Conflicting classifications of pathogenicity. Review status: criteria provided, conflicting classifications (1 of 4 stars). 2 submissions from 2 submitters: Likely pathogenic (1); Uncertain significance (1). Last evaluated 2025-07-08.
ClinVar aggregate classification (oncogenicity): Likely oncogenic (1 of 4 stars; one submission).

Conditions:
Familial melanoma. Also called: Hereditary melanoma; Hereditary cutaneous melanoma. Identifiers: Orphanet 618, MedGen C1512419, MONDO:0018961.
Hereditary cancer-predisposing syndrome. Also called: Tumor predisposition; Hereditary neoplastic syndrome; Neoplastic Syndromes, Hereditary; Hereditary Cancer Syndrome. Identifiers: Orphanet 140162, MedGen C0027672, MeSH D009386, MONDO:0015356.
Neoplasm. Also called: Neoplasms; Neoplasm (disease); tumor. Identifiers: MedGen C0027651, MeSH D009369, MONDO:0005070, HP:0002664.

Submissions (3):

Labcorp Genetics (formerly Invitae), Labcorp
Classification: Uncertain significance for Familial melanoma. Last evaluated: 2025-07-08. Review status: criteria provided, single submitter. Criteria: Invitae Variant Classification Sherloc (09022015). Collection method: clinical testing. Allele origin: germline.
Comment: The CDKN2A gene encodes two different proteins, p16INK4a and p14ARF, which are translated from alternative transcripts with different open reading frames. Both transcripts have been analyzed. We report either the variant with the higher classification or default to the CDKN2A (p16INK4a) variant. This report therefore includes the details for the CDKN2A (p16INK4a) variant. This variant, c.192_194dup, results in the insertion of 1 amino acid(s) of the CDKN2A (p16INK4a) protein (p.Leu65dup), but otherwise preserves the integrity of the reading frame. This variant is not present in population databases (gnomAD no frequency). This variant has been observed in individual(s) with familial melanoma (PMID: 19260062). This variant is also known as c.235_237dup (p.Ala79dup) in the CDKN2A (p14ARF) transcript. Algorithms developed to predict the effect of variants on gene product structure and function are not available or were not evaluated for this variant. Experimental studies have shown that this variant affects CDKN2A (p16INK4a) function (PMID: 19260062). In summary, the available evidence is currently insufficient to determine the role of this variant in disease. Therefore, it has been classified as a Variant of Uncertain Significance.

Ambry Genetics
Classification: Likely pathogenic for Hereditary cancer-predisposing syndrome. Last evaluated: 2025-03-18. Review status: criteria provided, single submitter. Criteria: Ambry Variant Classification Scheme 2023. Collection method: clinical testing. Allele origin: germline.
Comment: The c.192_194dupGCT variant (also known as p.L65dup), located in coding exon 2 of the CDKN2A gene, results from an in-frame duplication of GCT at nucleotide positions 192 to 194. This results in the duplication of an extra leucine residue between codons 65 and 66. This alteration has been reported in two individuals diagnosed with melanoma from one family; this alteration also demonstrated loss of CDK4 binding in a functional assay (Kannengiesser C et al. Hum Mutat, 2009 Apr;30:564-74). Based on internal structural assessment, this alteration results in substantial local destabilization of the structure of CDKN2A (Russo AA et al. Nature, 1998 Sep;395:237-43; Ambry internal data). This amino acid position is not well conserved in available vertebrate species. This variant is considered to be rare based on population cohorts in the Genome Aggregation Database (gnomAD). In addition, this alteration is predicted to be deleterious by in silico analysis (Choi Y et al. PLoS ONE. 2012; 7(10):e46688). Of note, this alteration is also known as c.235_237dupGCT (p.A79dup) in the p14(ARF) isoform. Based on the majority of available evidence to date, this variant is likely to be pathogenic.

Center for Genomic Medicine, Rigshospitalet, Copenhagen University Hospital
Classification: Likely oncogenic for Neoplasm. Last evaluated: 2025-03-04. Review status: criteria provided, single submitter. Criteria: ClinGen/CGC/VICC Guidelines for Oncogenicity, 2022. Collection method: clinical testing. Allele origin: somatic. Affected: yes.

Literature cited by the submitters: PubMed 19260062 (cited by 3 submitters); PubMed 22841127 (cited by Ambry Genetics); PubMed 9751050 (cited by Ambry Genetics).